The following is an entry in ClinVar:

ClinVar aggregate classification (germline): Uncertain significance (1 of 4 stars; one submission).

Submission:

CeGaT Center for Human Genetics Tuebingen
Classification: Uncertain significance. Last evaluated: 2022-06-01. Review status: criteria provided, single submitter. Criteria: CeGaT Center For Human Genetics Tuebingen Variant Classification Criteria Version 2. Collection method: clinical testing. Allele origin: germline. Affected: yes. Observed: 1 variant allele.
Comment: CTNND1: PM2

NM_001085458.2(CTNND1):c.2522AAG[1] (p.Glu842del)

Genes: CTNND1 (catenin delta 1; plus strand), TMX2-CTNND1 (TMX2-CTNND1 readthrough (NMD candidate); plus strand). Cytogenetic location: 11q12.1.
Variant type: Microsatellite.
Coding change: c.2522AAG[1] on transcript NM_001085458.2 (MANE Select); one copy of the 3-base unit AAG starting at c.2522; the reference has two copies in a row; one copy, 3 bases deleted.
Protein change: p.Glu842del; deletes glutamic acid 842.
Molecular consequence: inframe deletion. On other transcripts: non-coding transcript variant (1).
Genome position (GRCh38, 1-based): chr11:57,810,198-57,810,200, AAG deleted; deleting any 3 consecutive bases within chr11:57,810,195-57,810,200 gives the same sequence; the position shown is the placement nearest the transcript's 3' end. VCF-style (leftmost placement, unchanged base first): chr11-57810194-AAAG-A. GRCh37 (hg19) VCF-style: chr11-57577666-AAAG-A.
Other names: c.2504AAG[1], p.Glu836del (NM_001085459.2, NM_001085460.2, NM_001085461.2 and 2 more transcripts); c.2219AAG[1], p.Glu741del (NM_001085463.2, NM_001085466.2); c.2201AAG[1], p.Glu735del (NM_001085464.2, NM_001085465.2, NM_001085467.2 and 3 more transcripts); c.2360AAG[1], p.Glu788del (NM_001206883.2, NM_001206884.2); c.2522AAG[1], p.Glu842del (NM_001206885.2); c.2342AAG[1], p.Glu782del (NM_001206886.2, NM_001206887.2, NM_001206888.2 and 2 more transcripts); short protein forms E735del, E741del, E782del, E788del, E836del, E842del.
Identifiers: ClinVar variation 2641799 (VCV002641799.24), dbSNP rs2497730267, ClinGen allele CA2613627862.
Genomic context (GRCh38, chr11:57,810,194, plus strand): 5'-GCAGCAGCACTTGTATTACAGACAATCTGGGGATATAAGGAACTGCGGAAGCCACTGGAA[AAAG>A]AAGGATGGAAGAAATCAGACTTTCAGGTATAGTAACTTTTGAGACCAAGACTTTTACTTT-3'